The following is an entry in ClinVar:

ClinVar aggregate classification (germline): Uncertain significance. Review status: criteria provided, multiple submitters, no conflicts (2 of 4 stars). 2 submissions from 2 submitters: Uncertain significance (2). Last evaluated 2025-04-03.

Conditions:
CHD5-related disorder. Also called: CHD5-related condition.

Submissions (2):

GeneDx
Classification: Uncertain significance. Last evaluated: 2025-04-03. Review status: criteria provided, single submitter. Criteria: GeneDx Variant Classification Process June 2021. Collection method: clinical testing. Allele origin: germline. Affected: yes.
Comment: Not observed at significant frequency in large population cohorts (gnomAD); In silico analysis supports that this missense variant has a deleterious effect on protein structure/function; Has not been previously published as pathogenic or benign to our knowledge

PreventionGenetics, part of Exact Sciences
Classification: Uncertain significance for CHD5-related condition. Last evaluated: 2023-07-30. Review status: criteria provided, single submitter. Criteria: ACMG Guidelines, 2015. Collection method: clinical testing. Allele origin: germline.
Comment: The CHD5 c.2342C>T variant is predicted to result in the amino acid substitution p.Thr781Met. To our knowledge, this variant has not been reported in the literature or in a large population database, indicating this variant is rare. At this time, the clinical significance of this variant is uncertain due to the absence of conclusive functional and genetic evidence.

NM_015557.3(CHD5):c.2342C>T (p.Thr781Met)

Gene: CHD5 (chromodomain helicase DNA binding protein 5; minus strand). Cytogenetic location: 1p36.31.
Variant type: single nucleotide variant.
Coding change: c.2342C>T on transcript NM_015557.3 (MANE Select); coding-DNA position 2342, C replaced by T.
Protein change: p.Thr781Met; replaces threonine 781 with methionine.
Molecular consequence: missense variant.
Genome position (GRCh38, 1-based): chr1:6,142,222, G>A on the plus strand (C>T on the coding strand, the complement: CHD5 is on the minus strand). VCF-style: chr1-6142222-G-A. GRCh37 (hg19) VCF-style: chr1-6202282-G-A.
Other names: short protein forms T781M.
Identifiers: ClinVar variation 2631422 (VCV002631422.2), dbSNP rs2100857130, ClinGen allele CA338080071.